The following is an entry in ClinVar:

NM_002267.4(KPNA3):c.1036G>A (p.Ala346Thr)

Gene: KPNA3 (karyopherin subunit alpha 3; minus strand). Cytogenetic location: 13q14.2.
Variant type: single nucleotide variant.
Coding change: c.1036G>A on transcript NM_002267.4 (MANE Select); coding-DNA position 1036, G replaced by A.
Protein change: p.Ala346Thr; replaces alanine 346 with threonine.
Molecular consequence: missense variant.
Genome position (GRCh38, 1-based): chr13:49,706,369, C>T on the plus strand (G>A on the coding strand, the complement: KPNA3 is on the minus strand). VCF-style: chr13-49706369-C-T. GRCh37 (hg19) VCF-style: chr13-50280505-C-T.
Other names: short protein forms A346T.
Identifiers: ClinVar variation 5005261 (VCV005005261.2).

ClinVar aggregate classification (germline): Uncertain significance (1 of 4 stars; one submission).

Conditions:
Spastic paraplegia 88, autosomal dominant. Identifiers: MedGen C5774247, MONDO:0859309, OMIM 620106.

Submission:

Juno Genomics, Hangzhou Juno Genomics, Inc
Classification: Uncertain significance for Spastic paraplegia 88, autosomal dominant. Review status: criteria provided, single submitter. Criteria: ACMG Guidelines, 2015. Collection method: clinical testing. Allele origin: germline.
Comment: Absent from controls (or at extremely low frequency if recessive) in Genome Aggregation Database.;Missense variant in a gene that has a low rate of benign missense variation.;Multiple lines of computational evidence support a deleterious effect on the gene or gene product.